The following is an entry in ClinVar:

ClinVar aggregate classification (germline): Likely benign. Review status: criteria provided, multiple submitters, no conflicts (2 of 4 stars). 4 submissions from 4 submitters: Likely benign (4). Last evaluated 2023-12-11.

Conditions:
Cardiomyopathy (CMYO). Also called: Cardiomyopathies. Identifiers: Orphanet 167848, MedGen C0878544, MONDO:0004994, HP:0001638. Inheritance: Various modes of inheritance.
Catecholaminergic polymorphic ventricular tachycardia 1. Also called: VENTRICULAR TACHYCARDIA, CATECHOLAMINERGIC POLYMORPHIC, 1, WITH OR WITHOUT ATRIAL DYSFUNCTION AND/OR DILATED CARDIOMYOPATHY; RYR2-Related Catecholaminergic Polymorphic Ventricular Tachycardia; VENTRICULAR TACHYCARDIA, STRESS-INDUCED POLYMORPHIC 1. Identifiers: Orphanet 3286, MedGen C1631597, MONDO:0011484, OMIM 604772.
Catecholaminergic polymorphic ventricular tachycardia (CVPT). Also called: Catecholamine-induced polymorphic ventricular tachycardia. Identifiers: Orphanet 3286, MedGen C5574922, MONDO:0017990.

Allele frequency attached by ClinVar (database versions not stated): gnomAD exomes below 0.00001; ExAC 0.00001; ESP Exome Variant Server 0.00008.
gnomAD v4.1: 1 of 1,613,914 alleles (0.000062%); highest among the groups gnomAD compares: African/African-American, 0.0013%; no homozygotes.

Submissions (4):

Blueprint Genetics
Classification: Likely benign. Last evaluated: 2023-12-11. Review status: criteria provided, single submitter. Criteria: ACMG Guidelines, 2015. Collection method: clinical testing. Allele origin: germline.

All of Us Research Program, National Institutes of Health
Classification: Likely benign for Catecholaminergic polymorphic ventricular tachycardia. Last evaluated: 2023-08-08. Review status: criteria provided, single submitter. Criteria: ACMG Guidelines, 2015. Collection method: clinical testing. Allele origin: germline. Inheritance: Autosomal dominant inheritance. Observed: 2 variant alleles, 2 heterozygotes.
Comment: This study involves interpretation of variants in research participants for the purpose of population health screening. Participant phenotype was not available at the time of variant classification. Additional details can be found in publication PMID: 35346344, PMCID: PMC8962531

Color Diagnostics, LLC DBA Color Health
Classification: Likely benign for Cardiomyopathy. Last evaluated: 2022-11-06. Review status: criteria provided, single submitter. Criteria: ACMG Guidelines, 2015. Collection method: clinical testing. Allele origin: germline.

Labcorp Genetics (formerly Invitae), Labcorp
Classification: Likely benign for Catecholaminergic polymorphic ventricular tachycardia 1. Last evaluated: 2022-04-07. Review status: criteria provided, single submitter. Criteria: Invitae Variant Classification Sherloc (09022015). Collection method: clinical testing. Allele origin: germline.

NM_001035.3(RYR2):c.705G>A (p.Arg235=)

Gene: RYR2 (ryanodine receptor 2; plus strand). Cytogenetic location: 1q43.
Variant type: single nucleotide variant.
Coding change: c.705G>A on transcript NM_001035.3 (MANE Select); coding-DNA position 705, G replaced by A.
Protein change: p.Arg235=; no amino-acid change (arginine 235 retained).
Molecular consequence: synonymous variant.
Genome position (GRCh38, 1-based): chr1:237,388,115, G>A. VCF-style: chr1-237388115-G-A. GRCh37 (hg19) VCF-style: chr1-237551415-G-A.
Identifiers: ClinVar variation 2161452 (VCV002161452.6), dbSNP rs200318226, ClinGen allele CA087268.